The following is an entry in ClinVar:

ClinVar aggregate classification (germline): Pathogenic (1 of 4 stars; one submission).

Conditions:
Complex neurodevelopmental disorder. Identifiers: Orphanet 528084, MedGen C5568766, MONDO:0100038.
SCN2A-related disorder. Also called: SCN2A-related disorders; SCN2A-related condition. Identifiers: MedGen CN382226, MONDO:1060245.

Submission:

GeneDx
Classification: Pathogenic. Last evaluated: 2020-01-17. Review status: criteria provided, single submitter. Criteria: GeneDx Variant Classification Process June 2021. Collection method: clinical testing. Allele origin: germline. Affected: yes.
Comment: Frameshift variant predicted to result in protein truncation or nonsense mediated decay in a gene for which loss-of-function is a known mechanism of disease; Not observed in large population cohorts (Lek et al., 2016); Has not been previously published as pathogenic or benign to our knowledge

NM_001040142.2(SCN2A):c.4727del (p.Gly1576fs)

Gene: SCN2A (sodium voltage-gated channel alpha subunit 2; plus strand). Cytogenetic location: 2q24.3.
Variant type: Deletion.
Coding change: c.4727del on transcript NM_001040142.2 (MANE Select); coding-DNA position 4727, one base deleted (G; older notation c.4727delG).
Protein change: p.Gly1576fs; shifts the reading frame from glycine 1576.
Molecular consequence: frameshift variant.
Genome position (GRCh38, 1-based): chr2:165,386,921, G deleted; the last of 2 consecutive G bases (chr2:165,386,920-165,386,921); deleting either gives the same sequence. VCF-style (leftmost placement, unchanged base first): chr2-165386919-TG-T. GRCh37 (hg19) VCF-style: chr2-166243429-TG-T.
Other names: c.4727delG (NM_021007.2); c.4727del, p.Gly1576fs (NM_001040143.2, NM_001371246.1, NM_001371247.1 and 1 more transcripts); short protein forms G1576fs.
Identifiers: ClinVar variation 545912 (VCV000545912.6), dbSNP rs1553463096, ClinGen allele CA658821441.